The following is an entry in ClinVar:

ClinVar aggregate classification (germline): Uncertain significance (1 of 4 stars; one submission).

gnomAD v4.1: 5 of 1,602,308 alleles (0.00031%); highest among the groups gnomAD compares: Non-Finnish European, 0.00043%; no homozygotes.

Submission:

Labcorp Genetics (formerly Invitae), Labcorp
Classification: Uncertain significance. Last evaluated: 2022-09-19. Review status: criteria provided, single submitter. Criteria: Invitae Variant Classification Sherloc (09022015). Collection method: clinical testing. Allele origin: germline.
Comment: This variant is not present in population databases (gnomAD no frequency). In summary, the available evidence is currently insufficient to determine the role of this variant in disease. Therefore, it has been classified as a Variant of Uncertain Significance. Algorithms developed to predict the effect of missense changes on protein structure and function (SIFT, PolyPhen-2, Align-GVGD) all suggest that this variant is likely to be disruptive. ClinVar contains an entry for this variant (Variation ID: 1389002). This variant has not been reported in the literature in individuals affected with ITGAM-related conditions. This sequence change replaces arginine, which is basic and polar, with serine, which is neutral and polar, at codon 732 of the ITGAM protein (p.Arg732Ser).

NM_000632.4(ITGAM):c.2194C>A (p.Arg732Ser)

Gene: ITGAM (integrin subunit alpha M; plus strand). Cytogenetic location: 16p11.2.
Variant type: single nucleotide variant.
Coding change: c.2194C>A on transcript NM_000632.4 (MANE Select); coding-DNA position 2194, C replaced by A.
Protein change: p.Arg732Ser; replaces arginine 732 with serine.
Molecular consequence: missense variant.
Genome position (GRCh38, 1-based): chr16:31,324,687, C>A. VCF-style: chr16-31324687-C-A. GRCh37 (hg19) VCF-style: chr16-31336008-C-A.
Other names: c.2197C>A, p.Arg733Ser (NM_001145808.2); short protein forms R732S, R733S.
Identifiers: ClinVar variation 1389002 (VCV001389002.6), dbSNP rs530372107, ClinGen allele CA395688367.